The following is an entry in ClinVar:

NM_001142800.2(EYS):c.7014G>A (p.Trp2338Ter)

Gene: EYS (EGF-like photoreceptor maintenance factor; minus strand). Cytogenetic location: 6q12.
Variant type: single nucleotide variant.
Coding change: c.7014G>A on transcript NM_001142800.2 (MANE Select); coding-DNA position 7014, G replaced by A.
Protein change: p.Trp2338Ter; replaces tryptophan 2338 with a stop codon.
Molecular consequence: nonsense.
Genome position (GRCh38, 1-based): chr6:63,984,424, C>T on the plus strand (G>A on the coding strand, the complement: EYS is on the minus strand). VCF-style: chr6-63984424-C-T. GRCh37 (hg19) VCF-style: chr6-64694317-C-T.
Other names: c.7014G>A, p.Trp2338Ter (NM_001292009.2); short protein forms W2338*.
Identifiers: ClinVar variation 4067734 (VCV004067734.2).
Genomic context (GRCh38, chr6:63,984,424, plus strand): 5'-TCAGGAGACTAATACTGACCTGATGCAGGTGCCATTGTTGCGGCACAGATGATGAGCACA[C>T]CAAGGGACGTGGCAGTTCTCAATATTCTTTCCATGTCGTGCTTCATCGATGATGAAGAAT-3'

ClinVar aggregate classification (germline): Likely pathogenic (1 of 4 stars; one submission).

Conditions:
Retinitis pigmentosa 25 (RP25). Identifiers: Orphanet 791, MedGen C1864446, MONDO:0011272, OMIM 602772.

Submission:

Natera, Inc.
Classification: Likely pathogenic for Retinitis pigmentosa type 25. Last evaluated: 2025-01-30. Review status: criteria provided, single submitter. Criteria: Natera Variant Classification Schema (03/2026). Collection method: clinical testing. Allele origin: germline.
Comment: The c.7014G>A variant in EYS is a nonsense variant predicted to introduce a stop codon at amino acid 2338. This variant is expected to result in nonsense mediated decay, truncation, or a dysfunctional protein product. This variant is rare in the general population with a frequency below the threshold expected for the associated phenotype(s). Given the available evidence, this variant is classified as Likely Pathogenic.